The following is an entry in ClinVar:

ClinVar aggregate classification (germline): Uncertain significance (1 of 4 stars; one submission).

Conditions:
Inborn genetic diseases. Identifiers: MedGen C0950123, MeSH D030342.

gnomAD v4.1: 6 of 1,387,998 alleles (0.00043%); highest among the groups gnomAD compares: South Asian, 0.0016%; no homozygotes.

Submission:

Ambry Genetics
Classification: Uncertain significance for Inborn genetic diseases. Last evaluated: 2021-09-16. Review status: criteria provided, single submitter. Criteria: Ambry Variant Classification Scheme 2023. Collection method: clinical testing. Allele origin: germline.
Comment: The p.L229F variant (also known as c.685C>T), located in coding exon 1 of the SMAD6 gene, results from a C to T substitution at nucleotide position 685. The leucine at codon 229 is replaced by phenylalanine, an amino acid with highly similar properties. This amino acid position is conserved. In addition, the in silico prediction for this alteration is inconclusive. Since supporting evidence is limited at this time, the clinical significance of this alteration remains unclear.

NM_005585.5(SMAD6):c.685C>T (p.Leu229Phe)

Gene: SMAD6 (SMAD family member 6; plus strand). Cytogenetic location: 15q22.31.
Variant type: single nucleotide variant.
Coding change: c.685C>T on transcript NM_005585.5 (MANE Select); coding-DNA position 685, C replaced by T.
Protein change: p.Leu229Phe; replaces leucine 229 with phenylalanine.
Molecular consequence: missense variant. On other transcripts: non-coding transcript variant (1).
Genome position (GRCh38, 1-based): chr15:66,703,943, C>T. VCF-style: chr15-66703943-C-T. GRCh37 (hg19) VCF-style: chr15-66996281-C-T.
Other names: short protein forms L229F.
Identifiers: ClinVar variation 1755830 (VCV001755830.2), dbSNP rs751084258, ClinGen allele CA392950036.